The following is an entry in ClinVar:

NM_017617.5(NOTCH1):c.1099+1G>T

Gene: NOTCH1 (notch receptor 1; minus strand). Cytogenetic location: 9q34.3.
Variant type: single nucleotide variant.
Coding change: c.1099+1G>T on transcript NM_017617.5 (MANE Select); the canonical splice donor site of the intron after coding-DNA position 1099, G replaced by T.
Molecular consequence: splice donor variant.
Genome position (GRCh38, 1-based): chr9:136,518,590, C>A on the plus strand (G>T on the coding strand, the complement: NOTCH1 is on the minus strand). VCF-style: chr9-136518590-C-A. GRCh37 (hg19) VCF-style: chr9-139413042-C-A.
Other names: c.1099+1G>T (NM_017617.3).
Identifiers: ClinVar variation 2121772 (VCV002121772.6), dbSNP rs2133370541, ClinGen allele CA375565225.

ClinVar aggregate classification (germline): Pathogenic/Likely pathogenic. Review status: criteria provided, multiple submitters, no conflicts (2 of 4 stars). 2 submissions from 2 submitters: Pathogenic (1); Likely pathogenic (1). Last evaluated 2023-08-04.

Conditions:
Adams-Oliver syndrome 5 (AOS5). Identifiers: Orphanet 974, MedGen C4014970, MONDO:0014459, OMIM 616028.
Familial thoracic aortic aneurysm and aortic dissection (TAAD). Also called: Thoracic aortic aneurysms and dissections. Identifiers: Orphanet 91387, MedGen C4707243, MONDO:0019625.

Submissions (2):

Labcorp Genetics (formerly Invitae), Labcorp
Classification: Likely pathogenic for Adams-Oliver syndrome 5. Last evaluated: 2023-08-04. Review status: criteria provided, single submitter. Criteria: Invitae Variant Classification Sherloc (09022015). Collection method: clinical testing. Allele origin: germline.
Comment: In summary, the currently available evidence indicates that the variant is pathogenic, but additional data are needed to prove that conclusively. Therefore, this variant has been classified as Likely Pathogenic. Algorithms developed to predict the effect of sequence changes on RNA splicing suggest that this variant may disrupt the consensus splice site. ClinVar contains an entry for this variant (Variation ID: 2121772). This variant has not been reported in the literature in individuals affected with NOTCH1-related conditions. This variant is not present in population databases (gnomAD no frequency). This sequence change affects a donor splice site in intron 6 of the NOTCH1 gene. It is expected to disrupt RNA splicing. Variants that disrupt the donor or acceptor splice site typically lead to a loss of protein function (PMID: 16199547), and loss-of-function variants in NOTCH1 are known to be pathogenic (PMID: 16025100, 21457232, 25132448, 25963545).

Ambry Genetics
Classification: Pathogenic for Familial thoracic aortic aneurysm and aortic dissection. Last evaluated: 2023-06-22. Review status: criteria provided, single submitter. Criteria: Ambry Variant Classification Scheme 2023. Collection method: clinical testing. Allele origin: germline.
Comment: The c.1099+1G>T intronic alteration consists of a G to T substitution one nucleotide after coding exon 6 of the NOTCH1 gene. Alterations that disrupt the canonical splice site are expected to cause aberrant splicing, resulting in an abnormal protein or a transcript that is subject to nonsense-mediated mRNA decay. This variant was not reported in population-based cohorts in the Genome Aggregation Database (gnomAD). This nucleotide position is highly conserved in available vertebrate species. In silico splice site analysis predicts that this alteration will weaken the native splice donor site and will result in the creation or strengthening of a novel splice donor site. Based on the available evidence, this alteration is classified as pathogenic.

Literature cited by the submitters: PubMed 16199547 (cited by Labcorp Genetics (formerly Invitae), Labcorp); PubMed 16025100 (cited by Labcorp Genetics (formerly Invitae), Labcorp); PubMed 21457232 (cited by Labcorp Genetics (formerly Invitae), Labcorp); PubMed 25132448 (cited by Labcorp Genetics (formerly Invitae), Labcorp); PubMed 25963545 (cited by Labcorp Genetics (formerly Invitae), Labcorp).